The following is an entry in ClinVar:

GRCh38/hg38 17p11.2(chr17:16879232-20390725)x3

Genes: AKAP10 (A-kinase anchoring protein 10; minus strand), ALDH3A1 (aldehyde dehydrogenase 3 family member A1; minus strand), ALDH3A2 (aldehyde dehydrogenase 3 family member A2; plus strand), ALKBH5 (alkB homolog 5, RNA demethylase; plus strand), ATPAF2 (ATP synthase mitochondrial F1 complex assembly factor 2; minus strand) and 239 more. Cytogenetic location: 17p11.2.
Variant type: copy number gain.
Change: copy number 3 (three copies instead of two) of chr17:16,879,232-20,390,725 (3.51 Mb, GRCh38 coordinates, 1-based), cytogenetic band 17p11.2.
Identifiers: ClinVar variation 57034 (VCV000057034.1).

ClinVar aggregate classification (germline): Pathogenic (1 of 4 stars; one submission).

Submission:

ISCA site 4
Classification: Pathogenic. Last evaluated: 2011-08-12. Review status: criteria provided, single submitter. Criteria: Kaminsky et al. (Genet Med. 2011). Collection method: clinical testing. Allele origin: unknown. Affected: yes. Observed: 1 variant allele.
Comment: Copy number variation identified through the course of routine clinical cytogenomic testing in postnatal populations. Clinical assertions have been curated as described in Kaminsky et al. 2011.